The following is an entry in ClinVar:

ClinVar aggregate classification (germline): Uncertain significance. Review status: criteria provided, multiple submitters, no conflicts (2 of 4 stars). 2 submissions from 2 submitters: Uncertain significance (2). Last evaluated 2024-10-22.

Conditions:
Inborn genetic diseases. Identifiers: MedGen C0950123, MeSH D030342.
Charcot-Marie-Tooth disease type 2. Also called: Charcot-Marie-Tooth type 2. Identifiers: Orphanet 64746, MedGen C0270914, MONDO:0018993.

gnomAD v4.1: 6 of 1,614,124 alleles (0.00037%); highest among the groups gnomAD compares: East Asian, 0.0022%; no homozygotes.

Submissions (2):

Labcorp Genetics (formerly Invitae), Labcorp
Classification: Uncertain significance for Charcot-Marie-Tooth disease type 2. Last evaluated: 2024-10-22. Review status: criteria provided, single submitter. Criteria: Invitae Variant Classification Sherloc (09022015). Collection method: clinical testing. Allele origin: germline.
Comment: This sequence change replaces serine, which is neutral and polar, with leucine, which is neutral and non-polar, at codon 28 of the AARS protein (p.Ser28Leu). This variant is not present in population databases (gnomAD no frequency). This variant has not been reported in the literature in individuals affected with AARS-related conditions. ClinVar contains an entry for this variant (Variation ID: 950022). Invitae Evidence Modeling of protein sequence and biophysical properties (such as structural, functional, and spatial information, amino acid conservation, physicochemical variation, residue mobility, and thermodynamic stability) indicates that this missense variant is expected to disrupt AARS protein function with a positive predictive value of 95%. In summary, the available evidence is currently insufficient to determine the role of this variant in disease. Therefore, it has been classified as a Variant of Uncertain Significance.

Ambry Genetics
Classification: Uncertain significance for Inborn genetic diseases. Last evaluated: 2022-05-16. Review status: criteria provided, single submitter. Criteria: Ambry Variant Classification Scheme 2023. Collection method: clinical testing. Allele origin: germline.

NM_001605.3(AARS1):c.83C>T (p.Ser28Leu)

Gene: AARS1 (alanyl-tRNA synthetase 1; minus strand). Cytogenetic location: 16q22.1.
Variant type: single nucleotide variant.
Coding change: c.83C>T on transcript NM_001605.3 (MANE Select); coding-DNA position 83, C replaced by T.
Protein change: p.Ser28Leu; replaces serine 28 with leucine.
Molecular consequence: missense variant.
Genome position (GRCh38, 1-based): chr16:70,282,681, G>A on the plus strand (C>T on the coding strand, the complement: AARS1 is on the minus strand). VCF-style: chr16-70282681-G-A. GRCh37 (hg19) VCF-style: chr16-70316584-G-A.
Other names: short protein forms S28L.
Identifiers: ClinVar variation 950022 (VCV000950022.10), dbSNP rs1326668375, ClinGen allele CA396570502.
Genomic context (GRCh38, chr16:70,282,681, plus strand): 5'-TGGTTCATGCCTGCATTGGCAAAGAGCAAAGTGGGGTCATCCAATGGGATGGTGGCAGAC[G>A]AGTGAACATACGTATGCTCGTTCCTCTTGAAGAAATCTATAAATCGCTGCCGGATTTCAC-3'
Protein context (NP_001596.2, residues 18-38): FKRNEHTYVH[Ser28Leu]SATIPLDDPT